The following is an entry in ClinVar:

NM_015662.3(IFT172):c.1980G>A (p.Leu660=)

Gene: IFT172 (intraflagellar transport 172; minus strand). Cytogenetic location: 2p23.3.
Variant type: single nucleotide variant.
Coding change: c.1980G>A on transcript NM_015662.3 (MANE Select); coding-DNA position 1980, G replaced by A.
Protein change: p.Leu660=; no amino-acid change (leucine 660 retained).
Molecular consequence: synonymous variant.
Genome position (GRCh38, 1-based): chr2:27,463,139, C>T on the plus strand (G>A on the coding strand, the complement: IFT172 is on the minus strand). VCF-style: chr2-27463139-C-T. GRCh37 (hg19) VCF-style: chr2-27686006-C-T.
Other names: c.1914G>A, p.Leu638= (NM_001410739.1).
Identifiers: ClinVar variation 4989693 (VCV004989693.1).

ClinVar aggregate classification (germline): Likely benign (1 of 4 stars; one submission).

Conditions:
IFT172-related disorder. Also called: IFT172-related disorders; IFT172-related condition.

gnomAD v4.1: 3 of 1,614,154 alleles (0.00019%); highest among the groups gnomAD compares: Admixed American, 0.0017%; no homozygotes.

Submission:

PreventionGenetics, part of Exact Sciences
Classification: Likely benign for IFT172-related condition. Last evaluated: 2025-05-29. Review status: criteria provided, single submitter. Criteria: ACMG Guidelines, 2015. Collection method: clinical testing. Allele origin: germline.
Comment: This variant is classified as likely benign based on ACMG/AMP sequence variant interpretation guidelines (Richards et al. 2015 PMID: 25741868, with internal and published modifications).